The following is an entry in ClinVar:

NM_000821.7(GGCX):c.832A>G (p.Ile278Val)

Gene: GGCX (gamma-glutamyl carboxylase; minus strand). Cytogenetic location: 2p11.2.
Variant type: single nucleotide variant.
Coding change: c.832A>G on transcript NM_000821.7 (MANE Select); coding-DNA position 832, A replaced by G.
Protein change: p.Ile278Val; replaces isoleucine 278 with valine.
Molecular consequence: missense variant.
Genome position (GRCh38, 1-based): chr2:85,554,200, T>C on the plus strand (A>G on the coding strand, the complement: GGCX is on the minus strand). VCF-style: chr2-85554200-T-C. GRCh37 (hg19) VCF-style: chr2-85781323-T-C.
Other names: c.661A>G, p.Ile221Val (NM_001142269.4); c.832A>G (NM_000821.5); short protein forms I278V, I221V.
Identifiers: ClinVar variation 1439452 (VCV001439452.4), dbSNP rs2103969598, ClinGen allele CA347489092.

ClinVar aggregate classification (germline): Uncertain significance. Review status: criteria provided, multiple submitters, no conflicts (2 of 4 stars). 2 submissions from 2 submitters: Uncertain significance (2). Last evaluated 2023-12-21.

Conditions:
Inborn genetic diseases. Identifiers: MedGen C0950123, MeSH D030342.

Allele frequency attached by ClinVar (database versions not stated): gnomAD exomes 0.00001.
gnomAD v4.1: 7 of 1,613,086 alleles (0.00043%); highest among the groups gnomAD compares: Non-Finnish European, 0.00059%; no homozygotes.

Submissions (2):

Ambry Genetics
Classification: Uncertain significance for Inborn genetic diseases. Last evaluated: 2023-12-21. Review status: criteria provided, single submitter. Criteria: Ambry Variant Classification Scheme 2023. Collection method: clinical testing. Allele origin: germline.

Labcorp Genetics (formerly Invitae), Labcorp
Classification: Uncertain significance. Last evaluated: 2022-05-21. Review status: criteria provided, single submitter. Criteria: Invitae Variant Classification Sherloc (09022015). Collection method: clinical testing. Allele origin: germline.
Comment: This sequence change replaces isoleucine, which is neutral and non-polar, with valine, which is neutral and non-polar, at codon 278 of the GGCX protein (p.Ile278Val). This variant is not present in population databases (gnomAD no frequency). This variant has not been reported in the literature in individuals affected with GGCX-related conditions. Algorithms developed to predict the effect of missense changes on protein structure and function output the following: SIFT: "Tolerated"; PolyPhen-2: "Benign"; Align-GVGD: "Class C0". The valine amino acid residue is found in multiple mammalian species, which suggests that this missense change does not adversely affect protein function. In summary, the available evidence is currently insufficient to determine the role of this variant in disease. Therefore, it has been classified as a Variant of Uncertain Significance.